The following is an entry in ClinVar:

NM_005732.4(RAD50):c.2088A>C (p.Glu696Asp)

Gene: RAD50 (RAD50 double strand break repair protein; plus strand). Cytogenetic location: 5q31.1.
Variant type: single nucleotide variant.
Coding change: c.2088A>C on transcript NM_005732.4 (MANE Select); coding-DNA position 2088, A replaced by C.
Protein change: p.Glu696Asp; replaces glutamic acid 696 with aspartic acid.
Molecular consequence: missense variant.
Genome position (GRCh38, 1-based): chr5:132,595,691, A>C. VCF-style: chr5-132595691-A-C. GRCh37 (hg19) VCF-style: chr5-131931383-A-C.
Other names: short protein forms E696D.
Identifiers: ClinVar variation 1785658 (VCV001785658.4), dbSNP rs751614447, ClinGen allele CA3405327.
Genomic context (GRCh38, chr5:132,595,691, plus strand): 5'-AAACCAGTCATGTTGCCCCGTTTGTCAGAGAGTTTTTCAGACAGAGGCTGAGTTACAAGA[A>C]GTCATCAGTGATTTGCAGTCTAAACTGCGACTTGCTCCAGATAAACTCAAGTCAACAGAA-3'
Protein context (NP_005723.2, residues 686-706): RVFQTEAELQ[Glu696Asp]VISDLQSKLR

ClinVar aggregate classification (germline): Uncertain significance. Review status: criteria provided, multiple submitters, no conflicts (2 of 4 stars). 2 submissions from 2 submitters: Uncertain significance (2). Last evaluated 2025-09-03.

Conditions:
Hereditary cancer-predisposing syndrome. Also called: Neoplastic Syndromes, Hereditary; Tumor predisposition; Hereditary Cancer Syndrome; Hereditary neoplastic syndrome. Identifiers: Orphanet 140162, MedGen C0027672, MeSH D009386, MONDO:0015356.

Allele frequency attached by ClinVar (database versions not stated): ExAC 0.00001.
gnomAD v4.1: 14 of 1,613,948 alleles (0.00087%); highest among the groups gnomAD compares: Non-Finnish European, 0.000085%; no homozygotes.

Submissions (2):

Labcorp Genetics (formerly Invitae), Labcorp
Classification: Uncertain significance for Hereditary cancer-predisposing syndrome. Last evaluated: 2025-09-03. Review status: criteria provided, single submitter. Criteria: Invitae Variant Classification Sherloc (09022015). Collection method: clinical testing. Allele origin: germline.
Comment: This sequence change replaces glutamic acid, which is acidic and polar, with aspartic acid, which is acidic and polar, at codon 696 of the RAD50 protein (p.Glu696Asp). This variant is present in population databases (rs751614447, gnomAD 0.009%). This variant has not been reported in the literature in individuals affected with RAD50-related conditions. ClinVar contains an entry for this variant (Variation ID: 1785658). Invitae Evidence Modeling of protein sequence and biophysical properties (such as structural, functional, and spatial information, amino acid conservation, physicochemical variation, residue mobility, and thermodynamic stability) indicates that this missense variant is not expected to disrupt RAD50 protein function with a negative predictive value of 80%. In summary, the available evidence is currently insufficient to determine the role of this variant in disease. Therefore, it has been classified as a Variant of Uncertain Significance.

Ambry Genetics
Classification: Uncertain significance for Hereditary cancer-predisposing syndrome. Last evaluated: 2022-08-11. Review status: criteria provided, single submitter. Criteria: Ambry Variant Classification Scheme 2023. Collection method: clinical testing. Allele origin: germline.
Comment: The p.E696D variant (also known as c.2088A>C), located in coding exon 13 of the RAD50 gene, results from an A to C substitution at nucleotide position 2088. The glutamic acid at codon 696 is replaced by aspartic acid, an amino acid with highly similar properties. This amino acid position is conserved. In addition, this alteration is predicted to be tolerated by in silico analysis. Since supporting evidence is limited at this time, the clinical significance of this alteration remains unclear.